The following is an entry in ClinVar:

ClinVar aggregate classification (germline): Uncertain significance. Review status: criteria provided, multiple submitters, no conflicts (2 of 4 stars). 2 submissions from 2 submitters: Uncertain significance (2). Last evaluated 2024-06-09.

Conditions:
ERBB4-related disorder. Also called: ERBB4-related condition.

Allele frequency attached by ClinVar (database versions not stated): gnomAD 0.00003 and 0.00004; ExAC 0.00004; gnomAD exomes 0.00005; TOPMed 0.00007; ESP Exome Variant Server 0.00023.
gnomAD v4.1: 70 of 1,607,160 alleles (0.0044%); highest among the groups gnomAD compares: Non-Finnish European, 0.0056%; no homozygotes.

Submissions (2):

Labcorp Genetics (formerly Invitae), Labcorp
Classification: Uncertain significance. Last evaluated: 2024-06-09. Review status: criteria provided, single submitter. Criteria: Invitae Variant Classification Sherloc (09022015). Collection method: clinical testing. Allele origin: germline.
Comment: This sequence change replaces glycine, which is neutral and non-polar, with glutamic acid, which is acidic and polar, at codon 1061 of the ERBB4 protein (p.Gly1061Glu). This variant is present in population databases (rs372352845, gnomAD 0.01%). This variant has not been reported in the literature in individuals affected with ERBB4-related conditions. ClinVar contains an entry for this variant (Variation ID: 1357354). An algorithm developed to predict the effect of missense changes on protein structure and function (PolyPhen-2) suggests that this variant is likely to be tolerated. In summary, the available evidence is currently insufficient to determine the role of this variant in disease. Therefore, it has been classified as a Variant of Uncertain Significance.

PreventionGenetics, part of Exact Sciences
Classification: Uncertain significance for ERBB4-related condition. Last evaluated: 2022-08-26. Review status: criteria provided, single submitter. Criteria: ACMG Guidelines, 2015. Collection method: clinical testing. Allele origin: germline.
Comment: The ERBB4 c.3182G>A variant is predicted to result in the amino acid substitution p.Gly1061Glu. To our knowledge, this variant has not been reported in the literature. This variant is reported in 0.0097% of alleles in individuals of European (Non-Finnish) descent in gnomAD. At this time, the clinical significance of this variant is uncertain due to the absence of conclusive functional and genetic evidence.

NM_005235.3(ERBB4):c.3182G>A (p.Gly1061Glu)

Gene: ERBB4 (erb-b2 receptor tyrosine kinase 4; minus strand). Cytogenetic location: 2q34.
Variant type: single nucleotide variant.
Coding change: c.3182G>A on transcript NM_005235.3 (MANE Select); coding-DNA position 3182, G replaced by A.
Protein change: p.Gly1061Glu; replaces glycine 1061 with glutamic acid.
Molecular consequence: missense variant. On other transcripts: intron variant (2).
Genome position (GRCh38, 1-based): chr2:211,387,946, C>T on the plus strand (G>A on the coding strand, the complement: ERBB4 is on the minus strand). VCF-style: chr2-211387946-C-T. GRCh37 (hg19) VCF-style: chr2-212252671-C-T.
Other names: c.3136-796G>A (NM_001042599.2); c.3106-796G>A (NM_001439006.1); c.3152G>A, p.Gly1051Glu (NM_001439005.1); short protein forms G1061E, G1051E.
Identifiers: ClinVar variation 1357354 (VCV001357354.6), dbSNP rs372352845, ClinGen allele CA2087512.